The following is an entry in ClinVar:

NM_001371727.1(GABRB2):c.680-3T>G

Gene: GABRB2 (gamma-aminobutyric acid type A receptor subunit beta2; minus strand). Cytogenetic location: 5q34.
Variant type: single nucleotide variant.
Coding change: c.680-3T>G on transcript NM_001371727.1 (MANE Select); 3 bases into the intron before coding-DNA position 680, T replaced by G.
Molecular consequence: intron variant.
Genome position (GRCh38, 1-based): chr5:161,334,907, A>C on the plus strand (T>G on the coding strand, the complement: GABRB2 is on the minus strand). VCF-style: chr5-161334907-A-C. GRCh37 (hg19) VCF-style: chr5-160761914-A-C.
Other names: c.680-3T>G (NM_000813.3, NM_021911.3).
Identifiers: ClinVar variation 1351054 (VCV001351054.6), dbSNP rs763357499, ClinGen allele CA2573139340.

ClinVar aggregate classification (germline): Uncertain significance (1 of 4 stars; one submission).

Conditions:
Intellectual disability. Also called: Intellectual functioning disability; Intellectual developmental disorder; intellectual disabilities. Identifiers: MedGen C3714756, MeSH D008607, MONDO:0001071, HP:0001249.

Submission:

Labcorp Genetics (formerly Invitae), Labcorp
Classification: Uncertain significance for Intellectual disability. Last evaluated: 2021-12-02. Review status: criteria provided, single submitter. Criteria: Invitae Variant Classification Sherloc (09022015). Collection method: clinical testing. Allele origin: germline.
Comment: In summary, the available evidence is currently insufficient to determine the role of this variant in disease. Therefore, it has been classified as a Variant of Uncertain Significance. Variants that disrupt the consensus splice site are a relatively common cause of aberrant splicing (PMID: 17576681, 9536098). Algorithms developed to predict the effect of sequence changes on RNA splicing suggest that this variant may disrupt the consensus splice site. This variant has not been reported in the literature in individuals affected with GABRB2-related conditions. This variant is not present in population databases (gnomAD no frequency). This sequence change falls in intron 7 of the GABRB2 gene. It does not directly change the encoded amino acid sequence of the GABRB2 protein. It affects a nucleotide within the consensus splice site.

Literature cited by the submitters: PubMed 17576681; PubMed 9536098.